The following is an entry in ClinVar:

NM_024685.4(BBS10):c.253del (p.Thr85fs)

Gene: BBS10 (Bardet-Biedl syndrome 10; minus strand). Cytogenetic location: 12q21.2.
Variant type: Deletion.
Coding change: c.253del on transcript NM_024685.4 (MANE Select); coding-DNA position 253, one base deleted (A; older notation c.253delA).
Protein change: p.Thr85fs; shifts the reading frame from threonine 85.
Molecular consequence: frameshift variant.
Genome position (GRCh38, 1-based): chr12:76,347,732, T deleted on the plus strand (A on the coding strand, the reverse complement: BBS10 is on the minus strand); the first of 5 consecutive T bases (chr12:76,347,732-76,347,736); deleting any one gives the same sequence. VCF-style (leftmost placement, unchanged base first): chr12-76347731-GT-G. GRCh37 (hg19) VCF-style: chr12-76741511-GT-G.
Other names: short protein forms T85fs.
Identifiers: ClinVar variation 2679973 (VCV002679973.5), dbSNP rs2540957265, ClinGen allele CA2695199118.

ClinVar aggregate classification (germline): Pathogenic/Likely pathogenic. Review status: criteria provided, multiple submitters, no conflicts (2 of 4 stars). 3 submissions from 3 submitters: Pathogenic (1); Likely pathogenic (2). Last evaluated 2025-07-02.

Conditions:
Bardet-Biedl syndrome 10 (BBS10). Identifiers: Orphanet 110, MedGen C1859568, MONDO:0014438, OMIM 615987.
BBS10-related disorder. Also called: BBS10-related condition.
Bardet-Biedl syndrome (BBS). Identifiers: Orphanet 110, MedGen C0752166, MONDO:0015229.

Submissions (3):

Labcorp Genetics (formerly Invitae), Labcorp
Classification: Pathogenic for Bardet-Biedl syndrome. Last evaluated: 2025-07-02. Review status: criteria provided, single submitter. Criteria: Invitae Variant Classification Sherloc (09022015). Collection method: clinical testing. Allele origin: germline.
Comment: This sequence change creates a premature translational stop signal (p.Thr85Hisfs*24) in the BBS10 gene. While this is not anticipated to result in nonsense mediated decay, it is expected to disrupt the last 639 amino acid(s) of the BBS10 protein. This variant is not present in population databases (gnomAD no frequency). This variant has not been reported in the literature in individuals affected with BBS10-related conditions. ClinVar contains an entry for this variant (Variation ID: 2679973). This variant disrupts a region of the BBS10 protein in which other variant(s) (p.Val707*) have been determined to be pathogenic (PMID: 20472660, 22773737, 25982971, 27486776). This suggests that this is a clinically significant region of the protein, and that variants that disrupt it are likely to be disease-causing. For these reasons, this variant has been classified as Pathogenic.

Baylor Genetics
Classification: Likely pathogenic for Bardet-Biedl syndrome 10. Last evaluated: 2023-06-15. Review status: criteria provided, single submitter. Criteria: ACMG Guidelines, 2015. Collection method: clinical testing. Allele origin: unknown.

Blueprint Genetics
Classification: Likely pathogenic for BBS10-related disorders. Last evaluated: 2019-08-08. Review status: criteria provided, single submitter. Criteria: ACMG Guidelines, 2015. Collection method: clinical testing. Allele origin: germline. Affected: yes. Observed: 1 variant allele.

Literature cited by the submitters: PubMed 20472660 (cited by Labcorp Genetics (formerly Invitae), Labcorp); PubMed 22773737 (cited by Labcorp Genetics (formerly Invitae), Labcorp); PubMed 25982971 (cited by Labcorp Genetics (formerly Invitae), Labcorp); PubMed 27486776 (cited by Labcorp Genetics (formerly Invitae), Labcorp).